The following is an entry in ClinVar:

ClinVar aggregate classification (germline): Pathogenic (1 of 4 stars; one submission).

Conditions:
Baller-Gerold syndrome (BGS). Also called: CRANIOSYNOSTOSIS WITH RADIAL DEFECTS. Identifiers: Orphanet 1225, MedGen C0265308, MONDO:0009039, OMIM 218600.

Submission:

Labcorp Genetics (formerly Invitae), Labcorp
Classification: Pathogenic for Baller-Gerold syndrome. Last evaluated: 2022-07-18. Review status: criteria provided, single submitter. Criteria: Invitae Variant Classification Sherloc (09022015). Collection method: clinical testing. Allele origin: germline.
Comment: For these reasons, this variant has been classified as Pathogenic. ClinVar contains an entry for this variant (Variation ID: 1432678). This premature translational stop signal has been observed in individual(s) with clinical features of RAPADILINO and Rothmund-Thomson syndrome (PMID: 23899764). This variant is present in population databases (rs757032044, gnomAD 0.0009%). This sequence change creates a premature translational stop signal (p.Leu923Alafs*53) in the RECQL4 gene. It is expected to result in an absent or disrupted protein product. Loss-of-function variants in RECQL4 are known to be pathogenic (PMID: 12734318, 12952869).

Literature cited by the submitters: PubMed 23899764; PubMed 12734318; PubMed 12952869.

NM_004260.4(RECQL4):c.2767_2768del (p.Leu923fs)

Gene: RECQL4 (RecQ like helicase 4; minus strand). Cytogenetic location: 8q24.3.
Variant type: Deletion.
Coding change: c.2767_2768del on transcript NM_004260.4 (MANE Select); coding-DNA positions 2767 to 2768, 2 bases deleted (TT; older notation c.2767_2768delTT).
Protein change: p.Leu923fs; shifts the reading frame from leucine 923.
Molecular consequence: frameshift variant.
Genome position (GRCh38, 1-based): chr8:144,512,759-144,512,760, AA deleted on the plus strand (TT on the coding strand, the reverse complement: RECQL4 is on the minus strand); deleting any 2 consecutive bases within chr8:144,512,759-144,512,761 gives the same sequence; the c. name uses the placement nearest the transcript's 3' end. VCF-style (leftmost placement, unchanged base first): chr8-144512758-CAA-C. GRCh37 (hg19) VCF-style: chr8-145738141-CAA-C.
Other names: short protein forms L923fs.
Identifiers: ClinVar variation 1432678 (VCV001432678.8), dbSNP rs757032044, ClinGen allele CA4948081.